The following continues an entry in ClinVar:

NM_025114.4(CEP290):c.4438-3del

Gene: CEP290. ClinVar aggregate classification (germline): Pathogenic. Pathogenic (1).

Submissions 8 to 14 of 14:

Victorian Clinical Genetics Services, Murdoch Childrens Research Institute
Classification: Pathogenic for CEP290-related ciliopathy. Last evaluated: 2024-10-10. Review status: criteria provided, single submitter. Criteria: ACMG Guidelines, 2015. Collection method: clinical testing. Allele origin: germline. Inheritance: Autosomal recessive inheritance. Affected: yes. Not counted in ClinVar's aggregate classification.
Comment: Based on the classification scheme VCGS_Germline_v1.3.5, this variant is classified as Pathogenic. Following criteria are met: 0102 - Loss of function is a known mechanism of disease in this gene and is associated with Joubert syndrome 5 (MIM#610188), Leber congenital amaurosis 10 (MIM#611755), Meckel syndrome 4 (MIM#611134) and Senior-Loken syndrome 6 (MIM#610189). (I) 0106 - This gene is associated with autosomal recessive disease. (I) 0212 - Non-canonical splice site variant without proven consequence on splicing (no functional evidence available). (SP) 0251 - This variant is heterozygous. (I) 0304 - Variant is present in gnomAD <0.01 for a recessive condition (35 heterozygotes, 0 homozygotes). (SP) 0505 - Abnormal splicing is predicted by in silico tools and affected nucleotide is highly conserved. (SP) 0705 - No comparable splice variants have previous evidence for pathogenicity. (I) 0801 - This variant has strong previous evidence of pathogenicity in unrelated individuals. This variant has been reported four times as likely pathogenic, once as pathogenic and once as a VUS (ClinVar) and in seven compound heterozygous individuals with Leber congenital amaurosis or undefined retinal disease (PMID: 37510321, 26529047, 33749171, 28559085, 21153841). (SP) 0905 - No published segregation evidence has been identified for this variant. (I) 1007 - No published functional evidence has been identified for this variant. (I) 1201 - Heterozygous variant detected in trans with a second pathogenic heterozygous variant (NM_025114.4(CEP290):c.1219_1220del (p.Met407Glufs*14)) in a recessive disease. (I) Legend: (SP) - Supporting pathogenic, (I) - Information, (SB) - Supporting benign

Baylor Genetics
Classification: Likely pathogenic for Bardet-Biedl syndrome 14. Last evaluated: 2024-02-22. Review status: criteria provided, single submitter. Criteria: ACMG Guidelines, 2015. Collection method: clinical testing. Allele origin: unknown. Not counted in ClinVar's aggregate classification.

Fulgent Genetics
Classification: Pathogenic for Joubert syndrome 5; Senior-Loken syndrome 6; Meckel syndrome, type 4; Leber congenital amaurosis 10; Bardet-Biedl syndrome 14. Last evaluated: 2024-01-07. Review status: criteria provided, single submitter. Criteria: ACMG Guidelines, 2015. Collection method: clinical testing. Allele origin: germline. Not counted in ClinVar's aggregate classification.

Blueprint Genetics
Classification: Pathogenic for CEP290-related disorders. Last evaluated: 2022-09-01. Review status: criteria provided, single submitter. Criteria: ACMG Guidelines, 2015. Collection method: clinical testing. Allele origin: germline. Affected: yes. Observed: 5 variant alleles. Not counted in ClinVar's aggregate classification.

Ocular Genomics Institute, Massachusetts Eye and Ear
Classification: Likely pathogenic for Leber congenital amaurosis 10. Last evaluated: 2021-04-08. Review status: criteria provided, single submitter. Criteria: ACMG Guidelines, 2015. Collection method: research. Allele origin: germline. Affected: yes. Not counted in ClinVar's aggregate classification.
Comment: Through a review of available evidence we were able to apply the following criteria: PVS1, PM2. Based on this evidence we have classified this variant as Likely Pathogenic.

Broad Center for Mendelian Genomics, Broad Institute of MIT and Harvard
Classification: Uncertain significance for Leber congenital amaurosis 10. Last evaluated: 2018-12-03. Review status: criteria provided, single submitter. Criteria: ACMG Guidelines, 2015. Collection method: research. Allele origin: germline. Inheritance: Autosomal recessive inheritance. Affected: yes. Not counted in ClinVar's aggregate classification.
Comment: The presence of this variant in combination with a likely pathogenic variant increases the likelihood that the c.4438-3delC variant is pathogenic. The c.4438-3delC variant in CEP290 has not been previously reported in individuals with Leber congenital amaurosis but has been identified in 0.002716% (5/184078) of chromosomes in the Genome Aggregation Database (gnomAD; dbSNP rs747323414). Although this variant has been seen in the general population, the frequency is low enough to be consistent with a recessive carrier frequency. This variant is located in the 3' splice region. Computational prediction tools and conservation analyses do not provide strong support for or against an impact to the protein. In summary, additional studies are required to fully establish its clinical significance and the c.4438-3delC variant is uncertain. ACMG/AMP Criteria applied: PM2, PM3_Supporting (Richards 2015).

Centre for Mendelian Genomics, University Medical Centre Ljubljana
Classification: Uncertain significance for Retinal disorder. Last evaluated: 2017-01-01. Review status: criteria provided, single submitter. Criteria: ACMG Guidelines, 2015. Collection method: clinical testing. Allele origin: unknown. Affected: yes. Not counted in ClinVar's aggregate classification.

Literature cited by the submitters: PubMed 19959640 (cited by 4 submitters); PubMed 34906470 (cited by Women's Health and Genetics/Laboratory Corporation of America, LabCorp and Natera, Inc.); PubMed 37510321 (cited by 4 submitters); PubMed 38219857 (cited by Women's Health and Genetics/Laboratory Corporation of America, LabCorp); PubMed 21153841 (cited by 4 submitters); PubMed 26529047 (cited by 4 submitters); PubMed 17576681 (cited by Labcorp Genetics (formerly Invitae), Labcorp); PubMed 9536098 (cited by Labcorp Genetics (formerly Invitae), Labcorp); PubMed 33749171 (cited by 3 submitters); PubMed 30559420 (cited by Natera, Inc.); PubMed 28559085 (cited by 3billion and Victorian Clinical Genetics Services, Murdoch Childrens Research Institute).